The following is an entry in ClinVar:

NM_001184900.3(CARD8):c.414T>A (p.Asn138Lys)

Gene: CARD8 (caspase recruitment domain family member 8; minus strand). Cytogenetic location: 19q13.33.
Variant type: single nucleotide variant.
Coding change: c.414T>A on transcript NM_001184900.3 (MANE Select); coding-DNA position 414, T replaced by A.
Protein change: p.Asn138Lys; replaces asparagine 138 with lysine.
Molecular consequence: missense variant. On other transcripts: non-coding transcript variant (4).
Genome position (GRCh38, 1-based): chr19:48,231,788, A>T on the plus strand (T>A on the coding strand, the complement: CARD8 is on the minus strand). VCF-style: chr19-48231788-A-T. GRCh37 (hg19) VCF-style: chr19-48735045-A-T.
Other names: c.264T>A, p.Asn88Lys (NM_001184901.1, NM_001351783.2, NM_001351788.2 and 2 more transcripts); c.414T>A, p.Asn138Lys (NM_001184902.2, NM_001184903.1, NM_001351782.2); c.99T>A, p.Asn33Lys (NM_001351784.2, NM_001351787.2, NM_001351791.2 and 2 more transcripts); c.78T>A, p.Asn26Lys (NM_001351786.2); c.171T>A, p.Asn57Lys (NM_001351790.2); c.414T>A (NM_001184900.1); short protein forms N26K, N88K, N138K, N33K, N57K.
Identifiers: ClinVar variation 1345268 (VCV001345268.9), dbSNP rs2146253244, ClinGen allele CA406645398.

ClinVar aggregate classification (germline): Uncertain significance. Review status: criteria provided, multiple submitters, no conflicts (2 of 4 stars). 2 submissions from 2 submitters: Uncertain significance (2). Last evaluated 2025-04-01.

Submissions (2):

Ambry Genetics
Classification: Uncertain significance. Last evaluated: 2025-04-01. Review status: criteria provided, single submitter. Criteria: Ambry Variant Classification Scheme 2023. Collection method: clinical testing. Allele origin: germline.

Labcorp Genetics (formerly Invitae), Labcorp
Classification: Uncertain significance. Last evaluated: 2023-11-28. Review status: criteria provided, single submitter. Criteria: Invitae Variant Classification Sherloc (09022015). Collection method: clinical testing. Allele origin: germline.
Comment: This sequence change replaces asparagine, which is neutral and polar, with lysine, which is basic and polar, at codon 88 of the CARD8 protein (p.Asn88Lys). This variant is not present in population databases (gnomAD no frequency). This variant has not been reported in the literature in individuals affected with CARD8-related conditions. ClinVar contains an entry for this variant (Variation ID: 1345268). Algorithms developed to predict the effect of missense changes on protein structure and function output the following: SIFT: "Not Available"; PolyPhen-2: "Benign"; Align-GVGD: "Not Available". The lysine amino acid residue is found in multiple mammalian species, which suggests that this missense change does not adversely affect protein function. In summary, the available evidence is currently insufficient to determine the role of this variant in disease. Therefore, it has been classified as a Variant of Uncertain Significance.